The following is an entry in ClinVar:

ClinVar aggregate classification (germline): Uncertain significance (1 of 4 stars; one submission).

Conditions:
Ehlers-Danlos syndrome, classic type, 1 (EDSCL1). Also called: Ehlers-Danlos Syndrome, Classic Type, COL5A1-Related; EDS I; Ehlers-Danlos syndrome, type 1; EHLERS-DANLOS SYNDROME, GRAVIS TYPE; EHLERS-DANLOS SYNDROME, SEVERE CLASSIC TYPE. Identifiers: MedGen C0268335, MONDO:0019567, OMIM 130000.

Submission:

Labcorp Genetics (formerly Invitae), Labcorp
Classification: Uncertain significance for Ehlers-Danlos syndrome, classic type, 1. Last evaluated: 2018-04-03. Review status: criteria provided, single submitter. Criteria: Invitae Variant Classification Sherloc (09022015). Collection method: clinical testing. Allele origin: germline.
Comment: This sequence change replaces aspartic acid with glutamic acid at codon 413 of the COL5A1 protein (p.Asp413Glu). The aspartic acid residue is moderately conserved and there is a small physicochemical difference between aspartic acid and glutamic acid. This variant is not present in population databases (ExAC no frequency). This variant has not been reported in the literature in individuals with COL5A1-related disease. Algorithms developed to predict the effect of missense changes on protein structure and function output the following: SIFT: "Tolerated"; PolyPhen-2: "Benign"; Align-GVGD: "Class C0". The glutamic acid amino acid residue is found in multiple mammalian species, suggesting that this missense change does not adversely affect protein function. These predictions have not been confirmed by published functional studies and their clinical significance is uncertain. In summary, the available evidence is currently insufficient to determine the role of this variant in disease. Therefore, it has been classified as a Variant of Uncertain Significance.

NM_000093.5(COL5A1):c.1239C>G (p.Asp413Glu)

Gene: COL5A1 (collagen type V alpha 1 chain; plus strand). Cytogenetic location: 9q34.3.
Variant type: single nucleotide variant.
Coding change: c.1239C>G on transcript NM_000093.5 (MANE Select); coding-DNA position 1239, C replaced by G.
Protein change: p.Asp413Glu; replaces aspartic acid 413 with glutamic acid.
Molecular consequence: missense variant.
Genome position (GRCh38, 1-based): chr9:134,731,570, C>G. VCF-style: chr9-134731570-C-G. GRCh37 (hg19) VCF-style: chr9-137623416-C-G.
Other names: c.1239C>G, p.Asp413Glu (NM_001278074.1); short protein forms D413E.
Identifiers: ClinVar variation 578142 (VCV000578142.10), dbSNP rs775974461, ClinGen allele CA375450880.